The following is an entry in ClinVar:

ClinVar aggregate classification (germline): Likely benign (1 of 4 stars; one submission).

Allele frequency attached by ClinVar (database versions not stated): gnomAD 0.03032 and 0.03350; TOPMed 0.03155; 1000 Genomes Project 30x 0.04700; 1000 Genomes Project 0.04712.
gnomAD v4.1: 5,072 of 152,226 alleles (3.3%); highest among the groups gnomAD compares: South Asian, 13%; 134 homozygotes.

Submission:

GeneDx
Classification: Likely benign. Last evaluated: 2018-06-14. Review status: criteria provided, single submitter. Criteria: GeneDx Variant Classification (06012015). Collection method: clinical testing. Allele origin: germline. Affected: yes.
Comment: This variant is considered likely benign or benign based on one or more of the following criteria: it is a conservative change, it occurs at a poorly conserved position in the protein, it is predicted to be benign by multiple in silico algorithms, and/or has population frequency not consistent with disease.

NM_032119.4(ADGRV1):c.10549+306G>A

Gene: ADGRV1 (adhesion G protein-coupled receptor V1; plus strand). Cytogenetic location: 5q14.3.
Variant type: single nucleotide variant.
Coding change: c.10549+306G>A on transcript NM_032119.4 (MANE Select); 306 bases into the intron after coding-DNA position 10549, G replaced by A.
Molecular consequence: intron variant.
Genome position (GRCh38, 1-based): chr5:90,730,070, G>A. VCF-style: chr5-90730070-G-A. GRCh37 (hg19) VCF-style: chr5-90025887-G-A.
Identifiers: ClinVar variation 672430 (VCV000672430.1), dbSNP rs139635848, ClinGen allele CA11936554.
Genomic context (GRCh38, chr5:90,730,070, plus strand): 5'-CGTCCGCCACCATGTCTGGCTAATTTTTTTGTATTTTTAGTAGAGACGGGGTTTCACCGT[G>A]TTAGCCAGGATGGTCTTGATCTCCTGACCTTGTGATCCGCCCACCCAAAGTGCTGGGATT-3'